The following is an entry in ClinVar:

NM_001384140.1(PCDH15):c.1099-7A>G

Gene: PCDH15 (protocadherin related 15; minus strand). Cytogenetic location: 10q21.1.
Variant type: single nucleotide variant.
Coding change: c.1099-7A>G on transcript NM_001384140.1 (MANE Select); 7 bases into the intron before coding-DNA position 1099, A replaced by G.
Molecular consequence: intron variant.
Genome position (GRCh38, 1-based): chr10:54,195,896, T>C on the plus strand (A>G on the coding strand, the complement: PCDH15 is on the minus strand). VCF-style: chr10-54195896-T-C. GRCh37 (hg19) VCF-style: chr10-55955656-T-C.
Other names: c.1033-7A>G (NM_001142773.2, NM_001142768.2, NM_001354404.2); c.988-7A>G (NM_001142767.2); c.1099-7A>G (NM_001142765.2, NM_001142766.2, NM_033056.4 and 7 more transcripts); c.1114-7A>G (NM_001142763.2, NM_001142771.2, NM_001142769.3).
Identifiers: ClinVar variation 3709764 (VCV003709764.3).
Genomic context (GRCh38, chr10:54,195,896, plus strand): 5'-TTCAATGTGTAGACCGGCAAAGGCAGGAAGAGGATGACCATTGTCTTGTTCAGCCTAAAA[T>C]TGAAAAGAAAAGAAAATATTTAGAAAGTATATGTCGTGCTATCTTTTTGGAGTTTCACTT-3'

ClinVar aggregate classification (germline): Conflicting classifications of pathogenicity. Review status: criteria provided, conflicting classifications (1 of 4 stars). 2 submissions from 2 submitters: Likely pathogenic (1); Uncertain significance (1). Last evaluated 2026-04-13.

Conditions:
Usher syndrome type 1F (USH1F). Also called: USHER SYNDROME, TYPE IF. Identifiers: Orphanet 231169, Orphanet 886, MedGen C1865885, MONDO:0011186, OMIM 602083.

gnomAD v4.1: 8 of 1,611,074 alleles (0.0005%); highest among the groups gnomAD compares: African/African-American, 0.004%; no homozygotes.

Submissions (2):

Institute of Medical Genetics and Applied Genomics, University Hospital Tübingen
Classification: Likely pathogenic for Usher syndrome type 1F. Last evaluated: 2026-04-13. Review status: criteria provided, single submitter. Criteria: ACMG Guidelines, 2015. Collection method: clinical testing. Allele origin: germline. Inheritance: Autosomal recessive inheritance. Affected: yes.

Labcorp Genetics (formerly Invitae), Labcorp
Classification: Uncertain significance. Last evaluated: 2024-04-02. Review status: criteria provided, single submitter. Criteria: Invitae Variant Classification Sherloc (09022015). Collection method: clinical testing. Allele origin: germline.
Comment: This sequence change falls in intron 10 of the PCDH15 gene. It does not directly change the encoded amino acid sequence of the PCDH15 protein. This variant is present in population databases (no rsID available, gnomAD 0.008%). This variant has not been reported in the literature in individuals affected with PCDH15-related conditions. Algorithms developed to predict the effect of sequence changes on RNA splicing suggest that this variant may disrupt the consensus splice site. In summary, the available evidence is currently insufficient to determine the role of this variant in disease. Therefore, it has been classified as a Variant of Uncertain Significance.